The following is an entry in ClinVar:

ClinVar aggregate classification (germline): Uncertain significance (1 of 4 stars; one submission).

Allele frequency attached by ClinVar (database versions not stated): gnomAD exomes 0.00001; TOPMed 0.00001; ExAC 0.00002.
gnomAD v4.1: 9 of 1,601,964 alleles (0.00056%); highest among the groups gnomAD compares: South Asian, 0.0022%; no homozygotes.

Submission:

Labcorp Genetics (formerly Invitae), Labcorp
Classification: Uncertain significance. Last evaluated: 2022-01-28. Review status: criteria provided, single submitter. Criteria: Invitae Variant Classification Sherloc (09022015). Collection method: clinical testing. Allele origin: germline.
Comment: This sequence change replaces threonine, which is neutral and polar, with methionine, which is neutral and non-polar, at codon 343 of the LARS2 protein (p.Thr343Met). The frequency data for this variant in the population databases is considered unreliable, as metrics indicate poor data quality at this position in the gnomAD database. This missense change has been observed in individual(s) with Perrault syndrome (PMID: 30737337). Algorithms developed to predict the effect of missense changes on protein structure and function are either unavailable or do not agree on the potential impact of this missense change (SIFT: "Deleterious"; PolyPhen-2: "Probably Damaging"; Align-GVGD: "Class C0"). In summary, the available evidence is currently insufficient to determine the role of this variant in disease. Therefore, it has been classified as a Variant of Uncertain Significance.

Literature cited by the submitters: PubMed 30737337.

NM_015340.4(LARS2):c.1028C>T (p.Thr343Met)

Genes: LARS2 (leucyl-tRNA synthetase 2, mitochondrial; plus strand), LARS2-AS1 (LARS2 antisense RNA 1; minus strand). Cytogenetic location: 3p21.31.
Variant type: single nucleotide variant.
Coding change: c.1028C>T on transcript NM_015340.4 (MANE Select); coding-DNA position 1028, C replaced by T.
Protein change: p.Thr343Met; replaces threonine 343 with methionine.
Molecular consequence: missense variant.
Genome position (GRCh38, 1-based): chr3:45,485,701, C>T. VCF-style: chr3-45485701-C-T. GRCh37 (hg19) VCF-style: chr3-45527193-C-T.
Other names: c.1028C>T, p.Thr343Met (NM_001368263.1); short protein forms T343M.
Identifiers: ClinVar variation 2169510 (VCV002169510.1), dbSNP rs778984847, ClinGen allele CA2349493.
Genomic context (GRCh38, chr3:45,485,701, plus strand): 5'-TGTTGGTGTCTCAGTTGAGTGGCATCCACAGTTATTTGCTCTCATTTTCAGATTGCCTCA[C>T]GCCTGTAATGGCTGTGAACATGCTTACCCAGCAGGAGGTCCCTGTCGTTATTTTGGCCAA-3'
Protein context (NP_056155.1, residues 333-353): MALVPGKDCL[Thr343Met]PVMAVNMLTQ